The following is an entry in ClinVar:

NM_138691.3(TMC1):c.1298A>G (p.Tyr433Cys)

Gene: TMC1 (transmembrane channel like 1; plus strand). Cytogenetic location: 9q21.13.
Variant type: single nucleotide variant.
Coding change: c.1298A>G on transcript NM_138691.3 (MANE Select); coding-DNA position 1298, A replaced by G.
Protein change: p.Tyr433Cys; replaces tyrosine 433 with cysteine.
Molecular consequence: missense variant.
Genome position (GRCh38, 1-based): chr9:72,791,959, A>G. VCF-style: chr9-72791959-A-G. GRCh37 (hg19) VCF-style: chr9-75406875-A-G.
Other names: short protein forms Y433C.
Identifiers: ClinVar variation 3601888 (VCV003601888.1).

ClinVar aggregate classification (germline): Likely pathogenic (1 of 4 stars; one submission).

Conditions:
Autosomal recessive nonsyndromic hearing loss 7. Also called: DEAFNESS, AUTOSOMAL RECESSIVE 11. Identifiers: Orphanet 90636, MedGen C1832978, MONDO:0010967, OMIM 600974.

gnomAD v4.1: 1 of 1,613,908 alleles (0.000062%); no homozygotes.

Submission:

Institute of Rare Diseases, West China Hospital, Sichuan University
Classification: Likely pathogenic for Autosomal recessive nonsyndromic hearing loss 7. Last evaluated: 2025-01-09. Review status: criteria provided, single submitter. Criteria: ClinGen HL ACMG Specifications v1. Collection method: research. Allele origin: germline. Affected: yes.
Comment: PM3;PM5;PM2_Supporting;PP3